The following is an entry in ClinVar:

ClinVar aggregate classification (germline): Uncertain significance. Review status: criteria provided, multiple submitters, no conflicts (2 of 4 stars). 3 submissions from 3 submitters: Uncertain significance (3). Last evaluated 2025-12-17.

Allele frequency attached by ClinVar (database versions not stated): ExAC 0.00002; gnomAD exomes 0.00003; TOPMed 0.00007; gnomAD 0.00009 and 0.00011.
gnomAD v4.1: 62 of 1,614,078 alleles (0.0038%); highest among the groups gnomAD compares: African/African-American, 0.02%; no homozygotes.

Submissions (3):

Labcorp Genetics (formerly Invitae), Labcorp
Classification: Uncertain significance. Last evaluated: 2025-12-17. Review status: criteria provided, single submitter. Criteria: Invitae Variant Classification Sherloc (09022015). Collection method: clinical testing. Allele origin: germline.
Comment: This sequence change replaces valine, which is neutral and non-polar, with isoleucine, which is neutral and non-polar, at codon 81 of the RIPK1 protein (p.Val81Ile). This variant is present in population databases (rs758268804, gnomAD 0.03%). This variant has not been reported in the literature in individuals affected with RIPK1-related conditions. ClinVar contains an entry for this variant (Variation ID: 1396782). An algorithm developed to predict the effect of missense changes on protein structure and function outputs the following: PolyPhen-2: "Benign". The isoleucine amino acid residue is found in multiple mammalian species, which suggests that this missense change does not adversely affect protein function. In summary, the available evidence is currently insufficient to determine the role of this variant in disease. Therefore, it has been classified as a Variant of Uncertain Significance.

CeGaT Center for Human Genetics Tuebingen
Classification: Uncertain significance. Last evaluated: 2024-11-01. Review status: criteria provided, single submitter. Criteria: CeGaT Center For Human Genetics Tuebingen Variant Classification Criteria Version 2. Collection method: clinical testing. Allele origin: germline. Affected: yes. Observed: 1 variant allele.
Comment: RIPK1: PM2, BP4

Laboratorio de Genetica e Diagnostico Molecular, Hospital Israelita Albert Einstein
Classification: Uncertain significance. Last evaluated: 2020-09-20. Review status: criteria provided, single submitter. Criteria: ACMG Guidelines, 2015. Collection method: clinical testing. Allele origin: germline. Affected: yes.
Comment: ACMG classification criteria: PM2, BP4

NM_001354930.2(RIPK1):c.241G>A (p.Val81Ile)

Gene: RIPK1 (receptor interacting serine/threonine kinase 1; plus strand). Cytogenetic location: 6p25.2.
Variant type: single nucleotide variant.
Coding change: c.241G>A on transcript NM_001354930.2 (MANE Select); coding-DNA position 241, G replaced by A.
Protein change: p.Val81Ile; replaces valine 81 with isoleucine.
Molecular consequence: missense variant. On other transcripts: 5 prime UTR variant (4).
Genome position (GRCh38, 1-based): chr6:3,077,855, G>A. VCF-style: chr6-3077855-G-A. GRCh37 (hg19) VCF-style: chr6-3078089-G-A.
Other names: c.-363G>A (NM_001317061.3, NM_001354932.2, NM_001354933.2 and 1 more transcripts); c.241G>A, p.Val81Ile (NM_001354931.2, NM_003804.6); short protein forms V81I.
Identifiers: ClinVar variation 1396782 (VCV001396782.27), dbSNP rs758268804, ClinGen allele CA3618123.